The following is an entry in ClinVar:

ClinVar aggregate classification (germline): Uncertain significance (1 of 4 stars; one submission).

gnomAD v4.1: 1 of 1,606,978 alleles (0.000062%); no homozygotes.

Submission:

Labcorp Genetics (formerly Invitae), Labcorp
Classification: Uncertain significance. Last evaluated: 2022-10-04. Review status: criteria provided, single submitter. Criteria: Invitae Variant Classification Sherloc (09022015). Collection method: clinical testing. Allele origin: germline.
Comment: Algorithms developed to predict the effect of missense changes on protein structure and function are either unavailable or do not agree on the potential impact of this missense change (SIFT: "Deleterious"; PolyPhen-2: "Probably Damaging"; Align-GVGD: "Class C15"). In summary, the available evidence is currently insufficient to determine the role of this variant in disease. Therefore, it has been classified as a Variant of Uncertain Significance. This variant has not been reported in the literature in individuals affected with HMCN1-related conditions. This variant is present in population databases (no rsID available, gnomAD 0.004%). This sequence change replaces valine, which is neutral and non-polar, with aspartic acid, which is acidic and polar, at codon 2208 of the HMCN1 protein (p.Val2208Asp).

NM_031935.3(HMCN1):c.6623T>A (p.Val2208Asp)

Gene: HMCN1 (hemicentin 1; plus strand). Cytogenetic location: 1q31.1.
Variant type: single nucleotide variant.
Coding change: c.6623T>A on transcript NM_031935.3 (MANE Select); coding-DNA position 6623, T replaced by A.
Protein change: p.Val2208Asp; replaces valine 2208 with aspartic acid.
Molecular consequence: missense variant.
Genome position (GRCh38, 1-based): chr1:186,052,997, T>A. VCF-style: chr1-186052997-T-A. GRCh37 (hg19) VCF-style: chr1-186022129-T-A.
Other names: short protein forms V2208D.
Identifiers: ClinVar variation 2107750 (VCV002107750.4), dbSNP rs1315759624, ClinGen allele CA343900993.